The following is an entry in ClinVar:

NM_000143.4(FH):c.190A>G (p.Asn64Asp)

Gene: FH (fumarate hydratase; minus strand). Cytogenetic location: 1q43.
Variant type: single nucleotide variant.
Coding change: c.190A>G on transcript NM_000143.4 (MANE Select); coding-DNA position 190, A replaced by G.
Protein change: p.Asn64Asp; replaces asparagine 64 with aspartic acid.
Molecular consequence: missense variant.
Genome position (GRCh38, 1-based): chr1:241,517,259, T>C on the plus strand (A>G on the coding strand, the complement: FH is on the minus strand). VCF-style: chr1-241517259-T-C. GRCh37 (hg19) VCF-style: chr1-241680559-T-C.
Other names: short protein forms N64D.
Identifiers: ClinVar variation 296875 (VCV000296875.33), dbSNP rs886046319, ClinGen allele CA10609927.

ClinVar aggregate classification (germline): Uncertain significance. Review status: criteria provided, multiple submitters, no conflicts (2 of 4 stars). 8 submissions from 7 submitters: Uncertain significance (7). 1 of the submissions does not count toward it. Last evaluated 2025-12-16.

Conditions:
Hereditary cancer-predisposing syndrome. Also called: Tumor predisposition; Hereditary neoplastic syndrome; Neoplastic Syndromes, Hereditary; Hereditary Cancer Syndrome. Identifiers: Orphanet 140162, MedGen C0027672, MeSH D009386, MONDO:0015356.
Fumarase deficiency (FMRD). Also called: Fumaric aciduria; Fumarate Hydratase Deficiency. Identifiers: Orphanet 24, MedGen C0342770, MONDO:0011730, OMIM 606812.
Hereditary leiomyomatosis and renal cell cancer. Also called: Multiple cutaneous leiomyomas; MULTIPLE CUTANEOUS AND UTERINE LEIOMYOMATA 1, WITH OR WITHOUT RENAL CELL CARCINOMA; FH tumor predisposition syndrome; LEIOMYOMA, MULTIPLE CUTANEOUS; Reed syndrome; Multiple cutaneous and uterine leiomyomatosis. Identifiers: Orphanet 523, MedGen C1708350, MONDO:0007888, OMIM 150800, HP:0007437. Disease mechanism: loss of function.

Allele frequency attached by ClinVar (database versions not stated): gnomAD exomes below 0.00001 and 0.00001; TOPMed below 0.00001; gnomAD 0.00001.
gnomAD v4.1: 11 of 1,614,008 alleles (0.00068%); highest among the groups gnomAD compares: Admixed American, 0.0033%; no homozygotes.

Submissions (8):

Labcorp Genetics (formerly Invitae), Labcorp
Classification: Uncertain significance. Last evaluated: 2025-12-16. Review status: criteria provided, single submitter. Criteria: Invitae Variant Classification Sherloc (09022015). Collection method: clinical testing. Allele origin: germline.
Comment: This sequence change replaces asparagine, which is neutral and polar, with aspartic acid, which is acidic and polar, at codon 64 of the FH protein (p.Asn64Asp). This variant is present in population databases (no rsID available, gnomAD 0.006%). This variant has not been reported in the literature in individuals affected with FH-related conditions. ClinVar contains an entry for this variant (Variation ID: 296875). Invitae Evidence Modeling of protein sequence and biophysical properties (such as structural, functional, and spatial information, amino acid conservation, physicochemical variation, residue mobility, and thermodynamic stability) indicates that this missense variant is not expected to disrupt FH protein function with a negative predictive value of 95%. In summary, the available evidence is currently insufficient to determine the role of this variant in disease. Therefore, it has been classified as a Variant of Uncertain Significance.

Ambry Genetics
Classification: Uncertain significance for Hereditary cancer-predisposing syndrome. Last evaluated: 2025-07-25. Review status: criteria provided, single submitter. Criteria: Ambry Variant Classification Scheme 2023. Collection method: clinical testing. Allele origin: germline.
Comment: The p.N64D variant (also known as c.190A>G), located in coding exon 2 of the FH gene, results from an A to G substitution at nucleotide position 190. The asparagine at codon 64 is replaced by aspartic acid, an amino acid with highly similar properties. This amino acid position is not well conserved in available vertebrate species. In addition, the in silico prediction for this alteration is inconclusive. Since supporting evidence is limited at this time, the clinical significance of this alteration remains unclear.

GeneDx
Classification: Uncertain significance. Last evaluated: 2025-07-08. Review status: criteria provided, single submitter. Criteria: GeneDx Variant Classification Process June 2021. Collection method: clinical testing. Allele origin: germline. Affected: yes.
Comment: Not observed at significant frequency in large population cohorts (gnomAD); In silico analysis suggests that this missense variant does not alter protein structure/function; Published functional studies demonstrate a damaging effect: reduced FH activity compared to wildtype in a fumarase activity colorimetric assay (PMID: 35216667); This variant is associated with the following publications: (PMID: 35216667)

Dasa
Classification: Uncertain significance. Last evaluated: 2025-04-14. Review status: criteria provided, single submitter. Criteria: DASA Assertion Criteria. Collection method: clinical testing. Allele origin: germline.
Comment: NM_000143.4(FH):c.190A>G (p.Asn64Asp) is a missense variant that results in the substitution of asparagine with aspartic acid. This variant is rare in population databases. The currently available literature and clinical evidence are not sufficient to establish a definitive association between this variant and the reported condition. Therefore, this variant is classified as a variant of uncertain significance.

Baylor Genetics
Classification: Uncertain significance for Fumarase deficiency. Last evaluated: 2024-03-22. Review status: criteria provided, single submitter. Criteria: ACMG Guidelines, 2015. Collection method: clinical testing. Allele origin: unknown.

Illumina Laboratory Services, Illumina
Classification: Uncertain significance for Fumarase deficiency. Last evaluated: 2018-01-12. Review status: criteria provided, single submitter. Criteria: ICSL Variant Classification Criteria 13 December 2019. Collection method: clinical testing. Allele origin: germline.

Illumina Laboratory Services, Illumina
Classification: Uncertain significance for Hereditary leiomyomatosis and renal cell cancer. Last evaluated: 2018-01-12. Review status: criteria provided, single submitter. Criteria: ICSL Variant Classification Criteria 13 December 2019. Collection method: clinical testing. Allele origin: germline.

Natera, Inc.
Classification: Uncertain significance for Fumarase Deficiency. Last evaluated: 2020-09-23. Review status: no assertion criteria provided. Collection method: clinical testing. Allele origin: germline. Not counted in ClinVar's aggregate classification.